The following is an entry in ClinVar:

NM_001378457.1(DMXL2):c.7334C>A (p.Ser2445Tyr)

Gene: DMXL2 (Dmx like 2; minus strand). Cytogenetic location: 15q21.2.
Variant type: single nucleotide variant.
Coding change: c.7334C>A on transcript NM_001378457.1 (MANE Select); coding-DNA position 7334, C replaced by A.
Protein change: p.Ser2445Tyr; replaces serine 2445 with tyrosine.
Molecular consequence: missense variant. On other transcripts: non-coding transcript variant (2).
Genome position (GRCh38, 1-based): chr15:51,471,281, G>T on the plus strand (C>A on the coding strand, the complement: DMXL2 is on the minus strand). VCF-style: chr15-51471281-G-T. GRCh37 (hg19) VCF-style: chr15-51763478-G-T.
Other names: c.7334C>A, p.Ser2445Tyr (NM_001174116.3, NM_001378459.1, NM_001378461.1 and 1 more transcripts); c.5423C>A, p.Ser1808Tyr (NM_001174117.3); c.7331C>A, p.Ser2444Tyr (NM_001378458.1, NM_001378462.1, NM_015263.5); c.5312C>A, p.Ser1771Tyr (NM_001378460.1); c.7091C>A, p.Ser2364Tyr (NM_001378464.1); short protein forms S1808Y, S2445Y, S1771Y, S2444Y, S2364Y.
Identifiers: ClinVar variation 3083279 (VCV003083279.4), dbSNP rs749417118, ClinGen allele CA7561357.

ClinVar aggregate classification (germline): Uncertain significance. Review status: criteria provided, multiple submitters, no conflicts (2 of 4 stars). 3 submissions from 3 submitters: Uncertain significance (3). Last evaluated 2025-07-23.

Conditions:
Inborn genetic diseases. Identifiers: MedGen C0950123, MeSH D030342.

Allele frequency attached by ClinVar (database versions not stated): ExAC 0.00002; TOPMed 0.00003; gnomAD 0.00004.
gnomAD v4.1: 30 of 1,613,932 alleles (0.0019%); highest among the groups gnomAD compares: Middle Eastern, 0.016%; no homozygotes.

Submissions (3):

Labcorp Genetics (formerly Invitae), Labcorp
Classification: Uncertain significance. Last evaluated: 2025-07-23. Review status: criteria provided, single submitter. Criteria: Invitae Variant Classification Sherloc (09022015). Collection method: clinical testing. Allele origin: germline.
Comment: This sequence change replaces serine, which is neutral and polar, with tyrosine, which is neutral and polar, at codon 2445 of the DMXL2 protein (p.Ser2445Tyr). This variant is present in population databases (rs749417118, gnomAD 0.005%). This variant has not been reported in the literature in individuals affected with DMXL2-related conditions. ClinVar contains an entry for this variant (Variation ID: 3083279). An algorithm developed to predict the effect of missense changes on protein structure and function (PolyPhen-2) suggests that this variant is likely to be disruptive. In summary, the available evidence is currently insufficient to determine the role of this variant in disease. Therefore, it has been classified as a Variant of Uncertain Significance.

Blueprint Genetics
Classification: Uncertain significance. Last evaluated: 2024-10-29. Review status: criteria provided, single submitter. Criteria: ACMG Guidelines, 2015. Collection method: clinical testing. Allele origin: germline.

Ambry Genetics
Classification: Uncertain significance for Inborn genetic diseases. Last evaluated: 2024-03-07. Review status: criteria provided, single submitter. Criteria: Ambry Variant Classification Scheme 2023. Collection method: clinical testing. Allele origin: germline.